The following is an entry in ClinVar:

ClinVar aggregate classification (germline): Uncertain significance (1 of 4 stars; one submission).

Allele frequency attached by ClinVar (database versions not stated): gnomAD exomes below 0.00001.
gnomAD v4.1: 2 of 1,612,624 alleles (0.00012%); highest among the groups gnomAD compares: Admixed American, 0.0033%; no homozygotes.

Submission:

Labcorp Genetics (formerly Invitae), Labcorp
Classification: Uncertain significance. Last evaluated: 2024-10-24. Review status: criteria provided, single submitter. Criteria: Invitae Variant Classification Sherloc (09022015). Collection method: clinical testing. Allele origin: germline.
Comment: This sequence change replaces phenylalanine, which is neutral and non-polar, with leucine, which is neutral and non-polar, at codon 613 of the CLCN7 protein (p.Phe613Leu). This variant is present in population databases (no rsID available, gnomAD 0.006%). This variant has not been reported in the literature in individuals affected with CLCN7-related conditions. Invitae Evidence Modeling of protein sequence and biophysical properties (such as structural, functional, and spatial information, amino acid conservation, physicochemical variation, residue mobility, and thermodynamic stability) indicates that this missense variant is not expected to disrupt CLCN7 protein function with a negative predictive value of 95%. In summary, the available evidence is currently insufficient to determine the role of this variant in disease. Therefore, it has been classified as a Variant of Uncertain Significance.

NM_001287.6(CLCN7):c.1837T>C (p.Phe613Leu)

Gene: CLCN7 (chloride voltage-gated channel 7; minus strand). Cytogenetic location: 16p13.3.
Variant type: single nucleotide variant.
Coding change: c.1837T>C on transcript NM_001287.6 (MANE Select); coding-DNA position 1837, T replaced by C.
Protein change: p.Phe613Leu; replaces phenylalanine 613 with leucine.
Molecular consequence: missense variant.
Genome position (GRCh38, 1-based): chr16:1,448,727, A>G on the plus strand (T>C on the coding strand, the complement: CLCN7 is on the minus strand). VCF-style: chr16-1448727-A-G. GRCh37 (hg19) VCF-style: chr16-1498728-A-G.
Other names: c.1765T>C, p.Phe589Leu (NM_001114331.3); short protein forms F613L, F589L.
Identifiers: ClinVar variation 2988200 (VCV002988200.3), dbSNP rs1468841343, ClinGen allele CA394186355.